The following is an entry in ClinVar:

NM_000395.3(CSF2RB):c.2420C>A (p.Ser807Tyr)

Gene: CSF2RB (colony stimulating factor 2 receptor subunit beta; plus strand). Cytogenetic location: 22q12.3.
Variant type: single nucleotide variant.
Coding change: c.2420C>A on transcript NM_000395.3 (MANE Select); coding-DNA position 2420, C replaced by A.
Protein change: p.Ser807Tyr; replaces serine 807 with tyrosine.
Molecular consequence: missense variant.
Genome position (GRCh38, 1-based): chr22:36,938,228, C>A. VCF-style: chr22-36938228-C-A. GRCh37 (hg19) VCF-style: chr22-37334270-C-A.
Other names: c.2438C>A, p.Ser813Tyr (NM_001410827.1); short protein forms S807Y, S813Y.
Identifiers: ClinVar variation 1914222 (VCV001914222.5), dbSNP rs781549616, ClinGen allele CA10214117.

ClinVar aggregate classification (germline): Uncertain significance (1 of 4 stars; one submission).

Allele frequency attached by ClinVar (database versions not stated): ExAC 0.00001; gnomAD exomes 0.00001; TOPMed 0.00001.

Submission:

Labcorp Genetics (formerly Invitae), Labcorp
Classification: Uncertain significance. Last evaluated: 2024-10-02. Review status: criteria provided, single submitter. Criteria: Invitae Variant Classification Sherloc (09022015). Collection method: clinical testing. Allele origin: germline.
Comment: This sequence change replaces serine, which is neutral and polar, with tyrosine, which is neutral and polar, at codon 807 of the CSF2RB protein (p.Ser807Tyr). This variant is present in population databases (rs781549616, gnomAD 0.0009%). This variant has not been reported in the literature in individuals affected with CSF2RB-related conditions. ClinVar contains an entry for this variant (Variation ID: 1914222). Invitae Evidence Modeling of protein sequence and biophysical properties (such as structural, functional, and spatial information, amino acid conservation, physicochemical variation, residue mobility, and thermodynamic stability) indicates that this missense variant is expected to disrupt CSF2RB protein function with a positive predictive value of 80%. In summary, the available evidence is currently insufficient to determine the role of this variant in disease. Therefore, it has been classified as a Variant of Uncertain Significance.